The following is an entry in ClinVar:

ClinVar aggregate classification (germline): Benign (1 of 4 stars; one submission).

Allele frequency attached by ClinVar (database versions not stated): gnomAD 0.26670 and 0.27049; TOPMed 0.28004; 1000 Genomes Project 0.29852; 1000 Genomes Project 30x 0.30325.
gnomAD v4.1: 40,438 of 151,908 alleles (27%); highest among the groups gnomAD compares: African/African-American, 44%; 6,384 homozygotes.

Submission:

GeneDx
Classification: Benign. Last evaluated: 2018-06-19. Review status: criteria provided, single submitter. Criteria: GeneDx Variant Classification (06012015). Collection method: clinical testing. Allele origin: germline. Affected: yes.
Comment: This variant is considered likely benign or benign based on one or more of the following criteria: it is a conservative change, it occurs at a poorly conserved position in the protein, it is predicted to be benign by multiple in silico algorithms, and/or has population frequency not consistent with disease.

NM_003640.5(ELP1):c.2736+304T>C

Gene: ELP1 (elongator acetyltransferase complex subunit 1; minus strand). Cytogenetic location: 9q31.3.
Variant type: single nucleotide variant.
Coding change: c.2736+304T>C on transcript NM_003640.5 (MANE Select); 304 bases into the intron after coding-DNA position 2736, T replaced by C.
Molecular consequence: intron variant.
Genome position (GRCh38, 1-based): chr9:108,896,192, A>G on the plus strand (T>C on the coding strand, the complement: ELP1 is on the minus strand). VCF-style: chr9-108896192-A-G. GRCh37 (hg19) VCF-style: chr9-111658472-A-G.
Other names: c.2394+304T>C (NM_001318360.2); c.1689+304T>C (NM_001330749.2).
Identifiers: ClinVar variation 683635 (VCV000683635.1), dbSNP rs4978759, ClinGen allele CA12967372.